The following is an entry in ClinVar:

ClinVar aggregate classification (germline): Uncertain significance. Review status: criteria provided, multiple submitters, no conflicts (2 of 4 stars). 3 submissions from 3 submitters: Uncertain significance (2). 1 of the submissions does not count toward it. Last evaluated 2021-09-15.

Conditions:
Intellectual developmental disorder, X-linked 1. Also called: Intellectual disability, X-linked 1; Atkin Flaitz Patil Smith syndrome; MENTAL RETARDATION, X-LINKED 18; MENTAL RETARDATION, X-LINKED 78. Identifiers: Orphanet 777, MedGen C2931498, MONDO:0010656, OMIM 309530.

Allele frequency attached by ClinVar (database versions not stated): gnomAD exomes 0.00002 and below 0.00001; TOPMed below 0.00001.
gnomAD v4.1: 6 of 1,051,979 alleles (0.00057%); highest among the groups gnomAD compares: Non-Finnish European, 0.00012%; no homozygotes.

Submissions (3):

Labcorp Genetics (formerly Invitae), Labcorp
Classification: Uncertain significance for Intellectual developmental disorder, X-linked 1. Last evaluated: 2021-09-15. Review status: criteria provided, single submitter. Criteria: Invitae Variant Classification Sherloc (09022015). Collection method: clinical testing. Allele origin: germline.
Comment: In summary, the available evidence is currently insufficient to determine the role of this variant in disease. Therefore, it has been classified as a Variant of Uncertain Significance. Advanced modeling of protein sequence and biophysical properties (such as structural, functional, and spatial information, amino acid conservation, physicochemical variation, residue mobility, and thermodynamic stability) performed at Invitae indicates that this missense variant is not expected to disrupt IQSEC2 protein function. ClinVar contains an entry for this variant (Variation ID: 423803). This missense change has been observed in individual(s) with clinical features of X-linked intellectual disability (Invitae). The frequency data for this variant in the population databases is considered unreliable, as metrics indicate insufficient coverage at this position in the ExAC database. This sequence change replaces valine with methionine at codon 1487 of the IQSEC2 protein (p.Val1487Met). The valine residue is weakly conserved and there is a small physicochemical difference between valine and methionine.

GeneDx
Classification: Uncertain significance. Last evaluated: 2017-02-23. Review status: criteria provided, single submitter. Criteria: GeneDx Variant Classification (06012015). Collection method: clinical testing. Allele origin: germline. Affected: yes.
Comment: A variant of uncertain significance has been identified in the IQSEC2 gene. The V1487M variant has not been published as a pathogenic variant, nor has it been reported as a benign variant to our knowledge. The V1487M variant is not observed in large population cohorts; however, limited data are available (Lek et al., 2016; 1000 Genomes Consortium et al., 2015; Exome Variant Server). This substitution occurs at a position that is conserved across species. However, the V1487M variant is a conservative amino acid substitution, which is not likely to impact secondary protein structure as these residues share similar properties. In silico analysis is inconsistent in its predictions as to whether or not the variant is damaging to the protein structure/function. Therefore, based on the currently available information, it is unclear whether this variant is a pathogenic variant or a rare benign variant.

Clinical Genomics Laboratory, Stanford Medicine
Classification: Uncertain significance for Intellectual developmental disorder, X-linked 1. Last evaluated: 2021-01-25. Review status: no assertion criteria provided. Collection method: clinical testing. Allele origin: germline. Inheritance: X-linked inheritance. Affected: yes. Observed: 1 hemizygote. Not counted in ClinVar's aggregate classification.
Comment: The p.Val1487Met variant in the IQSEC2 gene has not been previously reported in association with disease. This variant has been identified in 1/10,846 Finnish chromosomes by the Genome Aggregation Database. The IQSEC2 gene has fewer missense variants in the general population than expected. A low rate of missense variation may suggest that this gene is intolerant to missense variation. The p.Val1487Met variant is located in the PDZ binding motif of IQSEC2. While this domain is not currently an established critical domain, some evidence suggests it may be necessary for interaction with PDZ proteins, which are required for the function of the protein at the synapse (Mignot et al., 2019). These data were assessed using the ACMG/AMP variant interpretation guidelines. In summary, the significance of the p.Val1487Met variant is uncertain. Additional information is needed to resolve the significance of this variant. [ACMG evidence codes used: PM2; PP2]

NM_001111125.3(IQSEC2):c.4459G>A (p.Val1487Met)

Gene: IQSEC2 (IQ motif and Sec7 domain ArfGEF 2; minus strand). Cytogenetic location: Xp11.22.
Variant type: single nucleotide variant.
Coding change: c.4459G>A on transcript NM_001111125.3 (MANE Select); coding-DNA position 4459, G replaced by A.
Protein change: p.Val1487Met; replaces valine 1487 with methionine.
Molecular consequence: missense variant. On other transcripts: 3 prime UTR variant (1).
Genome position (GRCh38, 1-based): chrX:53,234,227, C>T on the plus strand (G>A on the coding strand, the complement: IQSEC2 is on the minus strand). VCF-style: chrX-53234227-C-T. GRCh37 (hg19) VCF-style: chrX-53263409-C-T.
Other names: p.Val1487Met; c.*944G>A (NM_015075.2); short protein forms V1487M.
Identifiers: ClinVar variation 423803 (VCV000423803.11), dbSNP rs1064796639, ClinGen allele CA16621435.